The following is an entry in ClinVar:

ClinVar aggregate classification (germline): Conflicting classifications of pathogenicity. Review status: criteria provided, conflicting classifications (1 of 4 stars). 4 submissions from 4 submitters: Uncertain significance (1); Benign (1); Likely benign (2). Last evaluated 2025-10-23.

Conditions:
AGBL1-related disorder. Also called: AGBL1-related condition.

gnomAD v4.1: 765 of 1,613,924 alleles (0.047%); highest among the groups gnomAD compares: African/African-American, 0.88%; 2 homozygotes.

Submissions (4):

Ambry Genetics
Classification: Uncertain significance. Last evaluated: 2025-10-23. Review status: criteria provided, single submitter. Criteria: Ambry Variant Classification Scheme 2023. Collection method: clinical testing. Allele origin: germline.

CeGaT Center for Human Genetics Tuebingen
Classification: Likely benign. Last evaluated: 2025-10-01. Review status: criteria provided, single submitter. Criteria: CeGaT Center For Human Genetics Tuebingen Variant Classification Criteria Version 2. Collection method: clinical testing. Allele origin: germline. Affected: yes. Observed: 1 variant allele.
Comment: AGBL1: BP4, BS1

Blueprint Genetics
Classification: Likely benign. Last evaluated: 2024-11-06. Review status: criteria provided, single submitter. Criteria: ACMG Guidelines, 2015. Collection method: clinical testing. Allele origin: germline.

PreventionGenetics, part of Exact Sciences
Classification: Benign for AGBL1-related condition. Last evaluated: 2024-10-28. Review status: criteria provided, single submitter. Criteria: ACMG Guidelines, 2015. Collection method: clinical testing. Allele origin: germline.
Comment: This variant is classified as benign based on ACMG/AMP sequence variant interpretation guidelines (Richards et al. 2015 PMID: 25741868, with internal and published modifications).

NM_001386094.1(AGBL1):c.705G>C (p.Gln235His)

Gene: AGBL1 (AGBL carboxypeptidase 1; plus strand). Cytogenetic location: 15q25.3.
Variant type: single nucleotide variant.
Coding change: c.705G>C on transcript NM_001386094.1 (MANE Select); coding-DNA position 705, G replaced by C.
Protein change: p.Gln235His; replaces glutamine 235 with histidine.
Molecular consequence: missense variant.
Genome position (GRCh38, 1-based): chr15:86,247,849, G>C. VCF-style: chr15-86247849-G-C. GRCh37 (hg19) VCF-style: chr15-86791080-G-C.
Other names: c.705G>C, p.Gln235His (NM_152336.4); c.567G>C (NM_152336.2); c.705G>C (NM_152336.3); short protein forms Q235H.
Identifiers: ClinVar variation 4533767 (VCV004533767.8).
Genomic context (GRCh38, chr15:86,247,849, plus strand): 5'-GCTCTGCCTCAGGCACATTGCTGCCCTCCGGTCCGGCAGGGAGGCCTTCCTGGCAGCACA[G>C]GGCATGGAGATCCTCTTCAGCACCACACAGGCAGGCAGCATGGGGATTCACTCTGCAGCT-3'
Protein context (NP_001373023.1, residues 225-245): RSGREAFLAA[Gln235His]GMEILFSTTQ